The following is an entry in ClinVar:

ClinVar aggregate classification (germline): Uncertain significance. Review status: criteria provided, multiple submitters, no conflicts (2 of 4 stars). 2 submissions from 2 submitters: Uncertain significance (2). Last evaluated 2025-04-13.

Conditions:
Inborn genetic diseases. Identifiers: MedGen C0950123, MeSH D030342.

gnomAD v4.1: 1 of 1,611,696 alleles (0.000062%); highest among the groups gnomAD compares: Non-Finnish European, 0.000085%; no homozygotes.

Submissions (2):

Ambry Genetics
Classification: Uncertain significance for Inborn genetic diseases. Last evaluated: 2025-04-13. Review status: criteria provided, single submitter. Criteria: Ambry Variant Classification Scheme 2023. Collection method: clinical testing. Allele origin: germline.

Labcorp Genetics (formerly Invitae), Labcorp
Classification: Uncertain significance. Last evaluated: 2022-05-05. Review status: criteria provided, single submitter. Criteria: Invitae Variant Classification Sherloc (09022015). Collection method: clinical testing. Allele origin: germline.
Comment: This sequence change replaces leucine, which is neutral and non-polar, with phenylalanine, which is neutral and non-polar, at codon 1393 of the COL7A1 protein (p.Leu1393Phe). This variant is not present in population databases (gnomAD no frequency). This variant has not been reported in the literature in individuals affected with COL7A1-related conditions. Advanced modeling of protein sequence and biophysical properties (such as structural, functional, and spatial information, amino acid conservation, physicochemical variation, residue mobility, and thermodynamic stability) performed at Invitae indicates that this missense variant is not expected to disrupt COL7A1 protein function. In summary, the available evidence is currently insufficient to determine the role of this variant in disease. Therefore, it has been classified as a Variant of Uncertain Significance.

NM_000094.4(COL7A1):c.4177C>T (p.Leu1393Phe)

Gene: COL7A1 (collagen type VII alpha 1 chain; minus strand). Cytogenetic location: 3p21.31.
Variant type: single nucleotide variant.
Coding change: c.4177C>T on transcript NM_000094.4 (MANE Select); coding-DNA position 4177, C replaced by T.
Protein change: p.Leu1393Phe; replaces leucine 1393 with phenylalanine.
Molecular consequence: missense variant.
Genome position (GRCh38, 1-based): chr3:48,584,318, G>A on the plus strand (C>T on the coding strand, the complement: COL7A1 is on the minus strand). VCF-style: chr3-48584318-G-A. GRCh37 (hg19) VCF-style: chr3-48621751-G-A.
Other names: short protein forms L1393F.
Identifiers: ClinVar variation 2421864 (VCV002421864.3), dbSNP rs2531164837, ClinGen allele CA352695130.